The following is an entry in ClinVar:

NM_006445.4(PRPF8):c.319C>T (p.Pro107Ser)

Gene: PRPF8 (pre-mRNA processing factor 8; minus strand). Cytogenetic location: 17p13.3.
Variant type: single nucleotide variant.
Coding change: c.319C>T on transcript NM_006445.4 (MANE Select); coding-DNA position 319, C replaced by T.
Protein change: p.Pro107Ser; replaces proline 107 with serine.
Molecular consequence: missense variant.
Genome position (GRCh38, 1-based): chr17:1,682,244, G>A on the plus strand (C>T on the coding strand, the complement: PRPF8 is on the minus strand). VCF-style: chr17-1682244-G-A. GRCh37 (hg19) VCF-style: chr17-1585538-G-A.
Other names: short protein forms P107S.
Identifiers: ClinVar variation 2504382 (VCV002504382.1), dbSNP rs2543783851, ClinGen allele CA397570119.

ClinVar aggregate classification (germline): Uncertain significance (1 of 4 stars; one submission).

Submission:

GeneDx
Classification: Uncertain significance. Last evaluated: 2022-11-27. Review status: criteria provided, single submitter. Criteria: GeneDx Variant Classification Process June 2021. Collection method: clinical testing. Allele origin: germline. Affected: yes.
Comment: Not observed at significant frequency in large population cohorts (gnomAD); In silico analysis supports that this missense variant has a deleterious effect on protein structure/function; Has not been previously published as pathogenic or benign to our knowledge